The following is an entry in ClinVar:

NM_178822.5(IGSF10):c.76G>A (p.Gly26Ser)

Gene: IGSF10 (immunoglobulin superfamily member 10; minus strand). Cytogenetic location: 3q25.1.
Variant type: single nucleotide variant.
Coding change: c.76G>A on transcript NM_178822.5 (MANE Select); coding-DNA position 76, G replaced by A.
Protein change: p.Gly26Ser; replaces glycine 26 with serine.
Molecular consequence: missense variant.
Genome position (GRCh38, 1-based): chr3:151,458,634, C>T on the plus strand (G>A on the coding strand, the complement: IGSF10 is on the minus strand). VCF-style: chr3-151458634-C-T. GRCh37 (hg19) VCF-style: chr3-151176422-C-T.
Other names: c.76G>A, p.Gly26Ser (NM_001385060.1, NM_001385061.1, NM_001385062.1 and 1 more transcripts); short protein forms G26S.
Identifiers: ClinVar variation 3528297 (VCV003528297.3).

ClinVar aggregate classification (germline): Conflicting classifications of pathogenicity. Review status: criteria provided, conflicting classifications (1 of 4 stars). 2 submissions from 2 submitters: Uncertain significance (1); Likely benign (1). Last evaluated 2024-10-07.

gnomAD v4.1: 102 of 1,614,028 alleles (0.0063%); highest among the groups gnomAD compares: Non-Finnish European, 0.0083%; no homozygotes.

Submissions (2):

Ambry Genetics
Classification: Likely benign. Last evaluated: 2024-10-07. Review status: criteria provided, single submitter. Criteria: Ambry Variant Classification Scheme 2023. Collection method: clinical testing. Allele origin: germline.

Labcorp Genetics (formerly Invitae), Labcorp
Classification: Uncertain significance. Last evaluated: 2024-07-19. Review status: criteria provided, single submitter. Criteria: Invitae Variant Classification Sherloc (09022015). Collection method: clinical testing. Allele origin: germline.
Comment: This sequence change replaces glycine, which is neutral and non-polar, with serine, which is neutral and polar, at codon 26 of the IGSF10 protein (p.Gly26Ser). This variant is present in population databases (rs199637739, gnomAD 0.006%). This variant has not been reported in the literature in individuals affected with IGSF10-related conditions. An algorithm developed to predict the effect of missense changes on protein structure and function outputs the following: PolyPhen-2: "Benign". The serine amino acid residue is found in multiple mammalian species, which suggests that this missense change does not adversely affect protein function. In summary, the available evidence is currently insufficient to determine the role of this variant in disease. Therefore, it has been classified as a Variant of Uncertain Significance.